The following is an entry in ClinVar:

ClinVar aggregate classification (germline): Uncertain significance (1 of 4 stars; one submission).

Conditions:
Fanconi anemia (FA). Also called: Fanconi's anemia. Identifiers: Orphanet 84, MedGen C0015625, MeSH D005199, MONDO:0019391.

Allele frequency attached by ClinVar (database versions not stated): gnomAD exomes below 0.00001 and 0.00001; TOPMed below 0.00001; ExAC 0.00001.
gnomAD v4.1: 2 of 1,209,337 alleles (0.00017%); highest among the groups gnomAD compares: South Asian, 0.0018%; no homozygotes.

Submission:

Labcorp Genetics (formerly Invitae), Labcorp
Classification: Uncertain significance for Fanconi anemia. Last evaluated: 2021-08-28. Review status: criteria provided, single submitter. Criteria: Invitae Variant Classification Sherloc (09022015). Collection method: clinical testing. Allele origin: germline.
Comment: This sequence change replaces isoleucine with valine at codon 528 of the FANCB protein (p.Ile528Val). The isoleucine residue is moderately conserved and there is a small physicochemical difference between isoleucine and valine. This variant is present in population databases (rs749342600, ExAC 0.01%). This variant has not been reported in the literature in individuals affected with FANCB-related conditions. Algorithms developed to predict the effect of missense changes on protein structure and function are either unavailable or do not agree on the potential impact of this missense change (SIFT: "Tolerated"; PolyPhen-2: "Possibly Damaging"; Align-GVGD: "Class C0"). In summary, the available evidence is currently insufficient to determine the role of this variant in disease. Therefore, it has been classified as a Variant of Uncertain Significance.

NM_001018113.3(FANCB):c.1582A>G (p.Ile528Val)

Gene: FANCB (FA complementation group B; minus strand). Cytogenetic location: Xp22.2.
Variant type: single nucleotide variant.
Coding change: c.1582A>G on transcript NM_001018113.3 (MANE Select); coding-DNA position 1582, A replaced by G.
Protein change: p.Ile528Val; replaces isoleucine 528 with valine.
Molecular consequence: missense variant.
Genome position (GRCh38, 1-based): chrX:14,845,201, T>C on the plus strand (A>G on the coding strand, the complement: FANCB is on the minus strand). VCF-style: chrX-14845201-T-C. GRCh37 (hg19) VCF-style: chrX-14863323-T-C.
Other names: c.1582A>G, p.Ile528Val (NM_001324162.2, NM_152633.4); short protein forms I528V.
Identifiers: ClinVar variation 1022754 (VCV001022754.6), dbSNP rs749342600, ClinGen allele CA10353030.